The following is an entry in ClinVar:

NM_001035.3(RYR2):c.10372C>G (p.Arg3458Gly)

Gene: RYR2 (ryanodine receptor 2; plus strand). Cytogenetic location: 1q43.
Variant type: single nucleotide variant.
Coding change: c.10372C>G on transcript NM_001035.3 (MANE Select); coding-DNA position 10372, C replaced by G.
Protein change: p.Arg3458Gly; replaces arginine 3458 with glycine.
Molecular consequence: missense variant.
Genome position (GRCh38, 1-based): chr1:237,717,246, C>G. VCF-style: chr1-237717246-C-G. GRCh37 (hg19) VCF-style: chr1-237880546-C-G.
Other names: short protein forms R3458G.
Identifiers: ClinVar variation 3071650 (VCV003071650.1), dbSNP rs1338386727, ClinGen allele CA345414333.
Genomic context (GRCh38, chr1:237,717,246, plus strand): 5'-TTTGTTCCATAGGCAGCTGTTTCTGATCAGGAAAGGAAGAAAATGAAGCGCAAAGGAGAT[C>G]GGTATTCCATGCAGACCTCTCTGATTGTAGCAGCTCTGAAGCGGTTACTGCCCATTGGGT-3'
Protein context (NP_001026.2, residues 3448-3468): ERKKMKRKGD[Arg3458Gly]YSMQTSLIVA

ClinVar aggregate classification (germline): Uncertain significance (1 of 4 stars; one submission).

Conditions:
Catecholaminergic polymorphic ventricular tachycardia (CVPT). Also called: Catecholamine-induced polymorphic ventricular tachycardia. Identifiers: Orphanet 3286, MedGen C5574922, MONDO:0017990.

gnomAD v4.1: 1 of 1,613,542 alleles (0.000062%); highest among the groups gnomAD compares: Non-Finnish European, 0.000085%; no homozygotes.

Submission:

All of Us Research Program, National Institutes of Health
Classification: Uncertain significance for Catecholaminergic polymorphic ventricular tachycardia. Last evaluated: 2023-06-08. Review status: criteria provided, single submitter. Criteria: ACMG Guidelines, 2015. Collection method: clinical testing. Allele origin: germline. Inheritance: Autosomal dominant inheritance. Observed: 1 variant allele, 1 heterozygote.
Comment: This missense variant replaces arginine with glycine at codon 3458 of the RYR2 protein. Computational prediction is inconclusive regarding the impact of this variant on protein structure and function (internally defined REVEL score threshold 0.5 < inconclusive < 0.7, PMID: 27666373). To our knowledge, functional studies have not been reported for this variant. This variant has not been reported in individuals affected with RYR2-related disorders in the literature. This variant has not been identified in the general population by the Genome Aggregation Database (gnomAD). The available evidence is insufficient to determine the role of this variant in disease conclusively. Therefore, this variant is classified as a Variant of Uncertain Significance.

This study involves interpretation of variants in research participants for the purpose of population health screening. Participant phenotype was not available at the time of variant classification. Additional details can be found in publication PMID: 35346344, PMCID: PMC8962531